The following is an entry in ClinVar:

ClinVar aggregate classification (germline): Uncertain significance (1 of 4 stars; one submission).

Submission:

CeGaT Center for Human Genetics Tuebingen
Classification: Uncertain significance. Last evaluated: 2025-01-01. Review status: criteria provided, single submitter. Criteria: CeGaT Center For Human Genetics Tuebingen Variant Classification Criteria Version 2. Collection method: clinical testing. Allele origin: germline. Affected: yes. Observed: 1 variant allele.
Comment: DIAPH1: PM2, BP4

NM_005219.5(DIAPH1):c.1750C>A (p.Pro584Thr)

Gene: DIAPH1 (diaphanous related formin 1; minus strand). Cytogenetic location: 5q31.3.
Variant type: single nucleotide variant.
Coding change: c.1750C>A on transcript NM_005219.5 (MANE Select); coding-DNA position 1750, C replaced by A.
Protein change: p.Pro584Thr; replaces proline 584 with threonine.
Molecular consequence: missense variant.
Genome position (GRCh38, 1-based): chr5:141,574,100, G>T on the plus strand (C>A on the coding strand, the complement: DIAPH1 is on the minus strand). VCF-style: chr5-141574100-G-T. GRCh37 (hg19) VCF-style: chr5-140953667-G-T.
Other names: c.1723C>A, p.Pro575Thr (NM_001079812.3); c.1750C>A, p.Pro584Thr (NM_001314007.2); short protein forms P575T, P584T.
Identifiers: ClinVar variation 3771199 (VCV003771199.13).
Genomic context (GRCh38, chr5:141,574,100, plus strand): 5'-CCCCAGGAGCAGGTGGTGGTGGAATAATAGTGCCAGAGTCACCAGGTAAAGGAGGGGCAG[G>T]GGGAACAGGAGCACGACTAGGAACAGAAGGAGGTACAGTAATAGCTGCCGCAGAGAGGGA-3'
Protein context (NP_005210.3, residues 574-594): PSVPSRAPVP[Pro584Thr]APPLPGDSGT